The following is an entry in ClinVar:

ClinVar aggregate classification (germline): Benign/Likely benign. Review status: criteria provided, multiple submitters, no conflicts (2 of 4 stars). 4 submissions from 4 submitters: Benign (1); Likely benign (2). 1 of the submissions does not count toward it. Last evaluated 2025-06-05.

Conditions:
SETD1A-related disorder. Also called: SETD1A-related condition.
Inborn genetic diseases. Identifiers: MedGen C0950123, MeSH D030342.

Allele frequency attached by ClinVar (database versions not stated): ExAC 0.00055; gnomAD exomes 0.00057; ESP Exome Variant Server 0.00070; gnomAD 0.00086.
gnomAD v4.1: 962 of 1,609,676 alleles (0.06%); highest among the groups gnomAD compares: Middle Eastern, 0.26%; no homozygotes.

Submissions (4):

Ambry Genetics
Classification: Likely benign for Inborn genetic diseases. Last evaluated: 2025-06-05. Review status: criteria provided, single submitter. Criteria: Ambry Variant Classification Scheme 2023. Collection method: clinical testing. Allele origin: germline.

Blueprint Genetics
Classification: Likely benign. Last evaluated: 2024-09-14. Review status: criteria provided, single submitter. Criteria: ACMG Guidelines, 2015. Collection method: clinical testing. Allele origin: germline.

CeGaT Center for Human Genetics Tuebingen
Classification: Benign. Last evaluated: 2023-08-01. Review status: criteria provided, single submitter. Criteria: CeGaT Center For Human Genetics Tuebingen Variant Classification Criteria Version 2. Collection method: clinical testing. Allele origin: germline. Affected: yes. Observed: 1 variant allele.
Comment: SETD1A: BS1, BS2

PreventionGenetics, part of Exact Sciences
Classification: Likely benign for SETD1A-related condition. Last evaluated: 2019-03-07. Review status: no assertion criteria provided. Collection method: clinical testing. Allele origin: germline. Not counted in ClinVar's aggregate classification.
Comment: This variant is classified as likely benign based on ACMG/AMP sequence variant interpretation guidelines (Richards et al. 2015 PMID: 25741868, with internal and published modifications).

NM_014712.3(SETD1A):c.3862C>T (p.Arg1288Cys)

Gene: SETD1A (SET domain containing 1A, histone lysine methyltransferase; plus strand). Cytogenetic location: 16p11.2.
Variant type: single nucleotide variant.
Coding change: c.3862C>T on transcript NM_014712.3 (MANE Select); coding-DNA position 3862, C replaced by T.
Protein change: p.Arg1288Cys; replaces arginine 1288 with cysteine.
Molecular consequence: missense variant.
Genome position (GRCh38, 1-based): chr16:30,979,648, C>T. VCF-style: chr16-30979648-C-T. GRCh37 (hg19) VCF-style: chr16-30990969-C-T.
Other names: c.3862C>T (NM_014712.2); short protein forms R1288C.
Identifiers: ClinVar variation 2373443 (VCV002373443.28), dbSNP rs147948503, ClinGen allele CA8017395.